The following is an entry in ClinVar:

ClinVar aggregate classification (germline): Uncertain significance. Review status: criteria provided, multiple submitters, no conflicts (2 of 4 stars). 3 submissions from 3 submitters: Uncertain significance (3). Last evaluated 2025-05-21.

Conditions:
Multiple gastrointestinal atresias. Also called: Multiple intestinal atresia; FAMILIAL INTESTINAL POLYATRESIA SYNDROME. Identifiers: Orphanet 2300, MedGen C0220744, MONDO:0009465.
TTC7A-related disorder. Also called: TTC7A-related condition.

gnomAD v4.1: 28 of 1,550,728 alleles (0.0018%); highest among the groups gnomAD compares: African/African-American, 0.036%; no homozygotes.

Submissions (3):

PreventionGenetics, part of Exact Sciences
Classification: Uncertain significance for TTC7A-related condition. Last evaluated: 2025-05-21. Review status: criteria provided, single submitter. Criteria: ACMG Guidelines, 2015. Collection method: clinical testing. Allele origin: germline.
Comment: The TTC7A c.154C>T variant is predicted to result in the amino acid substitution p.Pro52Ser. To our knowledge, this variant has not been reported in the literature. This variant is reported in 0.025% of alleles in individuals of African descent in gnomAD. At this time, the clinical significance of this variant is uncertain due to the absence of conclusive functional and genetic evidence.

Labcorp Genetics (formerly Invitae), Labcorp
Classification: Uncertain significance for Multiple gastrointestinal atresias. Last evaluated: 2024-10-26. Review status: criteria provided, single submitter. Criteria: Invitae Variant Classification Sherloc (09022015). Collection method: clinical testing. Allele origin: germline.
Comment: This sequence change replaces proline, which is neutral and non-polar, with serine, which is neutral and polar, at codon 52 of the TTC7A protein (p.Pro52Ser). This variant is present in population databases (no rsID available, gnomAD 0.03%). This variant has not been reported in the literature in individuals affected with TTC7A-related conditions. ClinVar contains an entry for this variant (Variation ID: 2145713). An algorithm developed to predict the effect of missense changes on protein structure and function outputs the following: PolyPhen-2: "Benign". The serine amino acid residue is found in multiple mammalian species, which suggests that this missense change does not adversely affect protein function. In summary, the available evidence is currently insufficient to determine the role of this variant in disease. Therefore, it has been classified as a Variant of Uncertain Significance.

Breakthrough Genomics
Classification: Uncertain significance. Review status: criteria provided, single submitter. Criteria: ACMG Guidelines, 2015. Collection method: not provided. Allele origin: germline. Inheritance: Unknown mechanism. Affected: yes.

NM_020458.4(TTC7A):c.154C>T (p.Pro52Ser)

Genes: MCFD2 (multiple coagulation factor deficiency 2, ER cargo receptor complex subunit; minus strand), TTC7A (tetratricopeptide repeat domain 7A; plus strand). Cytogenetic location: 2p21.
Variant type: single nucleotide variant.
Coding change: c.154C>T on transcript NM_020458.4 (MANE Select); coding-DNA position 154, C replaced by T.
Protein change: p.Pro52Ser; replaces proline 52 with serine.
Molecular consequence: missense variant. On other transcripts: 5 prime UTR variant (3), intron variant (1).
Genome position (GRCh38, 1-based): chr2:46,941,695, C>T. VCF-style: chr2-46941695-C-T. GRCh37 (hg19) VCF-style: chr2-47168834-C-T.
Other names: c.154C>T, p.Pro52Ser (NM_001288951.2); c.-751C>T (NM_001288955.2); c.-130G>A (NM_001171508.2); c.-32G>A (NM_001171511.3); c.83-8668C>T (NM_001288953.2); short protein forms P52S.
Identifiers: ClinVar variation 2145713 (VCV002145713.5), dbSNP rs906523542, ClinGen allele CA46613107.